The following is an entry in ClinVar:

ClinVar aggregate classification (germline): Uncertain significance (1 of 4 stars; one submission).

Conditions:
Immunodeficiency 104. Also called: Severe Combined Immune Deficiency, Autosomal Recessive, TCell -Negative, B Cell-Positive, NK Cell-Positive, IL7R-Related; SCID, AUTOSOMAL RECESSIVE, T CELL-NEGATIVE, B CELL-POSITIVE, NK CELL-POSITIVE; IMMUNODEFICIENCY 104, SEVERE COMBINED; Severe combined immunodeficiency, autosomal recessive, T cell-negative, B cell-positive, NK cell-positive. Identifiers: MedGen C5676890, MONDO:0012163, OMIM 608971.

gnomAD v4.1: 1 of 1,610,666 alleles (0.000062%); highest among the groups gnomAD compares: Non-Finnish European, 0.000085%; no homozygotes.

Submission:

Labcorp Genetics (formerly Invitae), Labcorp
Classification: Uncertain significance for Immunodeficiency 104. Last evaluated: 2023-11-28. Review status: criteria provided, single submitter. Criteria: Invitae Variant Classification Sherloc (09022015). Collection method: clinical testing. Allele origin: germline.
Comment: This sequence change replaces proline, which is neutral and non-polar, with alanine, which is neutral and non-polar, at codon 632 of the PTPRC protein (p.Pro632Ala). This variant is not present in population databases (gnomAD no frequency). This variant has not been reported in the literature in individuals affected with PTPRC-related conditions. ClinVar contains an entry for this variant (Variation ID: 1430290). An algorithm developed to predict the effect of missense changes on protein structure and function (PolyPhen-2) suggests that this variant is likely to be disruptive. In summary, the available evidence is currently insufficient to determine the role of this variant in disease. Therefore, it has been classified as a Variant of Uncertain Significance.

NM_002838.5(PTPRC):c.1894C>G (p.Pro632Ala)

Gene: PTPRC (protein tyrosine phosphatase receptor type C; plus strand). Cytogenetic location: 1q32.1.
Variant type: single nucleotide variant.
Coding change: c.1894C>G on transcript NM_002838.5 (MANE Select); coding-DNA position 1894, C replaced by G.
Protein change: p.Pro632Ala; replaces proline 632 with alanine.
Molecular consequence: missense variant.
Genome position (GRCh38, 1-based): chr1:198,731,646, C>G. VCF-style: chr1-198731646-C-G. GRCh37 (hg19) VCF-style: chr1-198700775-C-G.
Other names: c.1411C>G, p.Pro471Ala (NM_080921.4); short protein forms P471A, P632A.
Identifiers: ClinVar variation 1430290 (VCV001430290.6), dbSNP rs1174214848, ClinGen allele CA344043920.
Genomic context (GRCh38, chr1:198,731,646, plus strand): 5'-AACTAGTATTGAATCTTTAATATGTTTCCAGATGATGAAAAACAACTGATGAATGTGGAG[C>G]CAATCCATGCAGATATTTTGTTGGAAACTTATAAGAGGAAGATTGCTGATGAAGGAAGAC-3'
Protein context (NP_002829.3, residues 622-642): DDEKQLMNVE[Pro632Ala]IHADILLETY